The following is an entry in ClinVar:

NM_017934.7(PHIP):c.4524C>T (p.Ser1508=)

Genes: IRAK1BP1 (interleukin 1 receptor associated kinase 1 binding protein 1; plus strand), PHIP (PHIP subunit of CUL4-Ring ligase complex; minus strand). Cytogenetic location: 6q14.1.
Variant type: single nucleotide variant.
Coding change: c.4524C>T on transcript NM_017934.7 (MANE Select); coding-DNA position 4524, C replaced by T.
Protein change: p.Ser1508=; no amino-acid change (serine 1508 retained).
Molecular consequence: synonymous variant.
Genome position (GRCh38, 1-based): chr6:78,946,107, G>A on the plus strand (C>T on the coding strand, the complement: PHIP is on the minus strand). VCF-style: chr6-78946107-G-A. GRCh37 (hg19) VCF-style: chr6-79655824-G-A.
Identifiers: ClinVar variation 4994433 (VCV004994433.1).

ClinVar aggregate classification (germline): Likely benign (1 of 4 stars; one submission).

Conditions:
PHIP-related disorder. Also called: PHIP-related disorders; PHIP-related condition.

Submission:

PreventionGenetics, part of Exact Sciences
Classification: Likely benign for PHIP-related condition. Last evaluated: 2026-07-01. Review status: criteria provided, single submitter. Criteria: ACMG Guidelines, 2015. Collection method: clinical testing. Allele origin: germline.
Comment: This variant is classified as likely benign based on ACMG/AMP sequence variant interpretation guidelines (Richards et al. 2015 PMID: 25741868, with internal and published modifications).